The following is an entry in ClinVar:

NM_201384.3(PLEC):c.6869C>T (p.Ala2290Val)

Gene: PLEC (plectin; minus strand). Cytogenetic location: 8q24.3.
Variant type: single nucleotide variant.
Coding change: c.6869C>T on transcript NM_201384.3 (MANE Select); coding-DNA position 6869, C replaced by T.
Protein change: p.Ala2290Val; replaces alanine 2290 with valine.
Molecular consequence: missense variant.
Genome position (GRCh38, 1-based): chr8:143,923,060, G>A on the plus strand (C>T on the coding strand, the complement: PLEC is on the minus strand). VCF-style: chr8-143923060-G-A. GRCh37 (hg19) VCF-style: chr8-144997228-G-A.
Other names: c.6950C>T, p.Ala2317Val (NM_000445.5); c.6827C>T, p.Ala2276Val (NM_201378.4); c.6803C>T, p.Ala2268Val (NM_201379.3); c.7280C>T, p.Ala2427Val (NM_201380.4); c.6773C>T, p.Ala2258Val (NM_201381.3); c.6869C>T, p.Ala2290Val (NM_201382.4); c.6881C>T, p.Ala2294Val (NM_201383.3); c.6950C>T (NM_000445.4); short protein forms A2258V, A2268V, A2276V, A2290V, A2294V, A2317V, A2427V.
Identifiers: ClinVar variation 500314 (VCV000500314.57), dbSNP rs782118220, ClinGen allele CA4925822.

ClinVar aggregate classification (germline): Uncertain significance. Review status: criteria provided, multiple submitters, no conflicts (2 of 4 stars). 5 submissions from 5 submitters: Uncertain significance (5). Last evaluated 2026-07-30.

Conditions:
Epidermolysis bullosa simplex 5C, with pyloric atresia (EBS5C). Also called: PLEC-Related Epidermolysis Bullosa with Pyloric Atresia; Epidermolysis bullosa simplex with pyloric atresia; PLEC1-Related Epidermolysis Bullosa with Pyloric Atresia. Identifiers: Orphanet 158684, MedGen C2677349, MONDO:0012807, OMIM 612138.
Epidermolysis bullosa simplex 5B, with muscular dystrophy (EBS5B). Also called: EPIDERMOLYSIS BULLOSA SIMPLEX AND LIMB-GIRDLE MUSCULAR DYSTROPHY; Epidermolysis bullosa simplex with muscular dystrophy. Identifiers: Orphanet 257, MedGen C2931072, MONDO:0009181, OMIM 226670.
Autosomal recessive limb-girdle muscular dystrophy type 2Q (LGMDR17). Also called: MUSCULAR DYSTROPHY, LIMB-GIRDLE, AUTOSOMAL RECESSIVE 17. Identifiers: Orphanet 254361, MedGen C3150989, MONDO:0013390, OMIM 613723.
Epidermolysis bullosa simplex with nail dystrophy (EBS5D). Identifiers: MedGen C4225309, MONDO:0014661, OMIM 616487.
Epidermolysis bullosa simplex, Ogna type (EBS5A). Also called: Pidermolysis bullosa simplex 5A, Ogna type; EPIDERMOLYSIS BULLOSA SIMPLEX 5A, OGNA TYPE. Identifiers: Orphanet 79401, MedGen C0432317, MONDO:0007555, OMIM 131950.
PLEC-related disorder. Also called: PLEC-related disorders; PLEC-related condition.

Allele frequency attached by ClinVar (database versions not stated): ExAC 0.00005; gnomAD 0.00005; gnomAD exomes 0.00005 and 0.00011; TOPMed 0.00006.
gnomAD v4.1: 161 of 1,609,968 alleles (0.01%); highest among the groups gnomAD compares: Non-Finnish European, 0.013%; no homozygotes.

Submissions (5):

PreventionGenetics, part of Exact Sciences
Classification: Uncertain significance for PLEC-related condition. Last evaluated: 2026-07-30. Review status: criteria provided, single submitter. Criteria: ACMG Guidelines, 2015. Collection method: clinical testing. Allele origin: germline.
Comment: The PLEC c.6950C>T variant is predicted to result in the amino acid substitution p.Ala2317Val. To our knowledge, this variant has not been reported in the literature. This variant is reported in 0.010% of alleles in individuals of European (Non-Finnish) descent in gnomAD. At this time, the clinical significance of this variant is uncertain due to the absence of conclusive functional and genetic evidence.

Labcorp Genetics (formerly Invitae), Labcorp
Classification: Uncertain significance for Autosomal recessive limb-girdle muscular dystrophy type 2Q; Epidermolysis bullosa simplex, Ogna type; Epidermolysis bullosa simplex with nail dystrophy; Epidermolysis bullosa simplex 5C, with pyloric atresia; Epidermolysis bullosa simplex 5B, with muscular dystrophy. Last evaluated: 2025-10-15. Review status: criteria provided, single submitter. Criteria: Invitae Variant Classification Sherloc (09022015). Collection method: clinical testing. Allele origin: germline.
Comment: This sequence change replaces alanine, which is neutral and non-polar, with valine, which is neutral and non-polar, at codon 2317 of the PLEC protein (p.Ala2317Val). This variant is present in population databases (rs782118220, gnomAD 0.01%). This variant has not been reported in the literature in individuals affected with PLEC-related conditions. ClinVar contains an entry for this variant (Variation ID: 500314). An algorithm developed to predict the effect of missense changes on protein structure and function (PolyPhen-2) suggests that this variant is likely to be disruptive. In summary, the available evidence is currently insufficient to determine the role of this variant in disease. Therefore, it has been classified as a Variant of Uncertain Significance.

Revvity Omics, Revvity
Classification: Uncertain significance. Last evaluated: 2022-04-18. Review status: criteria provided, single submitter. Criteria: ACMG Guidelines, 2015. Collection method: clinical testing. Allele origin: germline.

CeGaT Center for Human Genetics Tuebingen
Classification: Uncertain significance. Last evaluated: 2019-04-01. Review status: criteria provided, single submitter. Criteria: CeGaT Center For Human Genetics Tuebingen Variant Classification Criteria Version 2. Collection method: clinical testing. Allele origin: germline. Affected: yes. Observed: 1 variant allele.

Eurofins Ntd Llc (ga)
Classification: Uncertain significance. Last evaluated: 2017-02-03. Review status: criteria provided, single submitter. Criteria: EGL Classification Definitions 2015. Collection method: clinical testing. Allele origin: germline. Observed: 1 variant allele, 1 heterozygote.